The following is an entry in ClinVar:

NM_000398.7(CYB5R3):c.82C>T (p.Gln28Ter)

Gene: CYB5R3 (cytochrome b5 reductase 3; minus strand). Cytogenetic location: 22q13.2.
Variant type: single nucleotide variant.
Coding change: c.82C>T on transcript NM_000398.7 (MANE Select); coding-DNA position 82, C replaced by T.
Protein change: p.Gln28Ter; replaces glutamine 28 with a stop codon.
Molecular consequence: nonsense.
Genome position (GRCh38, 1-based): chr22:42,636,786, G>A on the plus strand (C>T on the coding strand, the complement: CYB5R3 is on the minus strand). VCF-style: chr22-42636786-G-A. GRCh37 (hg19) VCF-style: chr22-43032792-G-A.
Other names: c.13C>T, p.Gln5Ter (NM_001129819.2, NM_001171661.1, NM_007326.4); c.181C>T, p.Gln61Ter (NM_001171660.2); short protein forms Q28*, Q5*, Q61*.
Identifiers: ClinVar variation 5006503 (VCV005006503.2).

ClinVar aggregate classification (germline): Pathogenic (1 of 4 stars; one submission).

Conditions:
Deficiency of cytochrome-b5 reductase. Also called: METHEMOGLOBINEMIA, CONGENITAL, AUTOSOMAL RECESSIVE; NADH-DEPENDENT METHEMOGLOBIN REDUCTASE DEFICIENCY. Identifiers: Orphanet 621, MedGen C0268193, MONDO:0009606, OMIM 250800.

Submission:

Juno Genomics, Hangzhou Juno Genomics, Inc
Classification: Pathogenic for Deficiency of cytochrome-b5 reductase. Review status: criteria provided, single submitter. Criteria: ACMG Guidelines, 2015. Collection method: clinical testing. Allele origin: germline.
Comment: Absent from controls (or at extremely low frequency if recessive) in Genome Aggregation Database.;Null variant in a gene where loss of function (LOF) is a known mechanism of disease.;For recessive disorders, detected in trans with a pathogenic variant.